The following is an entry in ClinVar:

ClinVar aggregate classification (germline): Likely benign. Review status: criteria provided, multiple submitters, no conflicts (2 of 4 stars). 2 submissions from 2 submitters: Likely benign (2). Last evaluated 2026-02-10.

gnomAD v4.1: 141 of 1,614,066 alleles (0.0087%); highest among the groups gnomAD compares: African/African-American, 0.15%; no homozygotes.

Submissions (2):

Women's Health and Genetics/Laboratory Corporation of America, LabCorp
Classification: Likely benign. Last evaluated: 2026-02-10. Review status: criteria provided, single submitter. Criteria: LabCorp Variant Classification Summary - May 2015. Collection method: clinical testing. Allele origin: germline.
Comment: Variant summary: HCK c.145C>G (p.Pro49Ala) results in a non-conservative amino acid change in the encoded protein sequence. Algorithms developed to predict the effect of missense changes on protein structure and function are either unavailable or do not agree on the potential impact of this missense change. The variant allele was found at a frequency of 0.00014 in 251150 control chromosomes, predominantly at a frequency of 0.0018 within the African or African-American subpopulation in the gnomAD database. The observed variant frequency within African or African-American control individuals in the gnomAD database exceeds the estimated maximal expected allele frequency for disease-causing variants in HCK. To our knowledge, no occurrence of c.145C>G in individuals affected with HCK-related conditions and no experimental evidence demonstrating its impact on protein function have been reported. ClinVar contains an entry for this variant (Variation ID: 4280799). Based on the evidence outlined above, the variant was classified as likely benign.

CeGaT Center for Human Genetics Tuebingen
Classification: Likely benign. Last evaluated: 2025-09-01. Review status: criteria provided, single submitter. Criteria: CeGaT Center For Human Genetics Tuebingen Variant Classification Criteria Version 2. Collection method: clinical testing. Allele origin: germline. Affected: yes. Observed: 1 variant allele.
Comment: HCK: BP4, BS1

NM_002110.5(HCK):c.145C>G (p.Pro49Ala)

Gene: HCK (HCK proto-oncogene, Src family tyrosine kinase; plus strand). Cytogenetic location: 20q11.21.
Variant type: single nucleotide variant.
Coding change: c.145C>G on transcript NM_002110.5 (MANE Select); coding-DNA position 145, C replaced by G.
Protein change: p.Pro49Ala; replaces proline 49 with alanine.
Molecular consequence: missense variant.
Genome position (GRCh38, 1-based): chr20:32,071,744, C>G. VCF-style: chr20-32071744-C-G. GRCh37 (hg19) VCF-style: chr20-30659547-C-G.
Other names: c.82C>G, p.Pro28Ala (NM_001172129.3, NM_001172131.3, NM_001172133.3); c.145C>G, p.Pro49Ala (NM_001172130.3); c.85C>G, p.Pro29Ala (NM_001172132.3); short protein forms P28A, P29A, P49A.
Identifiers: ClinVar variation 4280799 (VCV004280799.8).